The following is an entry in ClinVar:

ClinVar aggregate classification (germline): Pathogenic/Likely pathogenic. Review status: criteria provided, multiple submitters, no conflicts (2 of 4 stars). 3 submissions from 3 submitters: Pathogenic (1); Likely pathogenic (2). Last evaluated 2024-11-07.

Conditions:
Familial hypokalemia-hypomagnesemia (GTLMNS). Also called: HYPOMAGNESEMIA-HYPOKALEMIA, PRIMARY RENOTUBULAR, WITH HYPOCALCIURIA; POTASSIUM AND MAGNESIUM DEPLETION; gitelman syndrome. Identifiers: Orphanet 358, MedGen C0268450, MONDO:0009904, OMIM 263800.

Submissions (3):

Natera, Inc.
Classification: Likely pathogenic for Gitelman syndrome. Last evaluated: 2024-11-07. Review status: criteria provided, single submitter. Criteria: Natera Variant Classification Schema (03/2026). Collection method: clinical testing. Allele origin: germline.
Comment: The c.429+1_429+28del variant in SLC12A3 is a canonical splice donor site variant predicted to affect pre-mRNA splicing, which may result in an abnormal transcript and altered protein product. This variant is expected to result in nonsense mediated decay, truncation, or a dysfunctional protein product. This variant is rare in the general population with a frequency below the threshold expected for the associated phenotype(s). Given the available evidence, this variant is classified as Likely Pathogenic.

Labcorp Genetics (formerly Invitae), Labcorp
Classification: Likely pathogenic. Last evaluated: 2024-02-12. Review status: criteria provided, single submitter. Criteria: Invitae Variant Classification Sherloc (09022015). Collection method: clinical testing. Allele origin: germline.
Comment: This sequence change affects a splice site in intron 2 of the SLC12A3 gene. It is expected to disrupt RNA splicing. Variants that disrupt the donor or acceptor splice site typically lead to a loss of protein function (PMID: 16199547), and loss-of-function variants in SLC12A3 are known to be pathogenic (PMID: 20848653, 22009145, 25841442). This variant is not present in population databases (gnomAD no frequency). This variant has not been reported in the literature in individuals affected with SLC12A3-related conditions. ClinVar contains an entry for this variant (Variation ID: 1491727). In summary, the currently available evidence indicates that the variant is pathogenic, but additional data are needed to prove that conclusively. Therefore, this variant has been classified as Likely Pathogenic.

European Hospital Georges Pompidou Genetics Department, Assistance Publique - Hôpitaux de Paris AP-HP
Classification: Pathogenic for Familial hypokalemia-hypomagnesemia. Last evaluated: 2022-04-27. Review status: criteria provided, single submitter. Criteria: ACMG Guidelines, 2015. Collection method: clinical testing. Allele origin: germline. Affected: yes.
Comment: ACMG criteria used:PVS1 PM1 PM2, PP3, PP5

Literature cited by the submitters: PubMed 16199547 (cited by Labcorp Genetics (formerly Invitae), Labcorp); PubMed 20848653 (cited by Labcorp Genetics (formerly Invitae), Labcorp); PubMed 22009145 (cited by Labcorp Genetics (formerly Invitae), Labcorp); PubMed 25841442 (cited by Labcorp Genetics (formerly Invitae), Labcorp).

NM_001126108.2(SLC12A3):c.429+1_429+28del

Gene: SLC12A3 (solute carrier family 12 member 3; plus strand). Cytogenetic location: 16q13.
Variant type: Deletion.
Coding change: c.429+1_429+28del on transcript NM_001126108.2 (MANE Select); the canonical splice donor site of the intron after coding-DNA position 429 through 28 bases into the intron after coding-DNA position 429, 28 bases deleted (GTGAGTGGGGTGTGGGTGGTGCGTGATG).
Molecular consequence: splice donor variant.
Genome position (GRCh38, 1-based): chr16:56,867,217-56,867,244, GTGAGTGGGGTGTGGGTGGTGCGTGATG deleted; deleting any 28 consecutive bases within chr16:56,867,211-56,867,244 gives the same sequence; the c. name uses the placement nearest the transcript's 3' end. VCF-style (leftmost placement, unchanged base first): chr16-56867210-GGTGATGGTGAGTGGGGTGTGGGTGGTGC-G. GRCh37 (hg19) VCF-style: chr16-56901122-GGTGATGGTGAGTGGGGTGTGGGTGGTGC-G.
Other names: c.429+1_429+28del (NM_000339.3); c.426+1_426+28del (NM_001126107.2).
Identifiers: ClinVar variation 1491727 (VCV001491727.10), dbSNP rs2144682680, ClinGen allele CA2573152447.
Genomic context (GRCh38, chr16:56,867,210, plus strand): 5'-GGCAGGCACCAGCAGCGAGAAGAACCCCGAGGAGCCAGTGCGCTTCGGCTGGGTCAAGGG[GGTGATGGTGAGTGGGGTGTGGGTGGTGC>G]GTGATGTCCAGAAATGGGGGTGGGGTGGCAGAGCTCCATCCAGGCTCAGCTCTGACTCTC-3'